The following is an entry in ClinVar:

NM_001142800.2(EYS):c.5645-3C>T

Gene: EYS (EGF-like photoreceptor maintenance factor; minus strand). Cytogenetic location: 6q12.
Variant type: single nucleotide variant.
Coding change: c.5645-3C>T on transcript NM_001142800.2 (MANE Select); 3 bases into the intron before coding-DNA position 5645, C replaced by T.
Molecular consequence: intron variant.
Genome position (GRCh38, 1-based): chr6:64,439,355, G>A on the plus strand (C>T on the coding strand, the complement: EYS is on the minus strand). VCF-style: chr6-64439355-G-A. GRCh37 (hg19) VCF-style: chr6-65149248-G-A.
Other names: c.5645-3C>T (NM_001292009.2).
Identifiers: ClinVar variation 1382850 (VCV001382850.6), dbSNP rs2150466528, ClinGen allele CA2573141003.

ClinVar aggregate classification (germline): Uncertain significance (1 of 4 stars; one submission).

Submission:

Labcorp Genetics (formerly Invitae), Labcorp
Classification: Uncertain significance. Last evaluated: 2022-06-13. Review status: criteria provided, single submitter. Criteria: Invitae Variant Classification Sherloc (09022015). Collection method: clinical testing. Allele origin: germline.
Comment: In summary, the available evidence is currently insufficient to determine the role of this variant in disease. Therefore, it has been classified as a Variant of Uncertain Significance. Variants that disrupt the consensus splice site are a relatively common cause of aberrant splicing (PMID: 17576681, 9536098). Algorithms developed to predict the effect of sequence changes on RNA splicing suggest that this variant is not likely to affect RNA splicing. This variant has not been reported in the literature in individuals affected with EYS-related conditions. This variant is not present in population databases (gnomAD no frequency). This sequence change falls in intron 26 of the EYS gene. It does not directly change the encoded amino acid sequence of the EYS protein. It affects a nucleotide within the consensus splice site.

Literature cited by the submitters: PubMed 17576681; PubMed 9536098.